The following is an entry in ClinVar:

ClinVar aggregate classification (germline): not provided (0 of 4 stars; one submission).

Allele frequency attached by ClinVar (database versions not stated): 1000 Genomes Project 30x 0.00047; 1000 Genomes Project 0.00060; ExAC 0.00107; TOPMed 0.00193; gnomAD 0.00196 and 0.00203; gnomAD exomes 0.00209 and 0.00371.
gnomAD v4.1: 4,771 of 1,371,434 alleles (0.35%); highest among the groups gnomAD compares: Non-Finnish European, 0.44%; 14 homozygotes.

Submission:

ITMI
No classification provided. Condition: AllHighlyPenetrant. Last evaluated: 2013-09-19. Review status: no classification provided. Collection method: reference population. Allele origin: germline.
Comment: Please see associated publication for description of ethnicities

Literature cited by the submitters: PubMed 24728327.

NM_003072.5(SMARCA4):c.2617-110G>A

Gene: SMARCA4 (SWI/SNF related BAF chromatin remodeling complex subunit ATPase 4; plus strand). Cytogenetic location: 19p13.2.
Variant type: single nucleotide variant.
Coding change: c.2617-110G>A on transcript NM_003072.5 (MANE Select); 110 bases into the intron before coding-DNA position 2617, G replaced by A.
Molecular consequence: intron variant.
Genome position (GRCh38, 1-based): chr19:11,021,615, G>A. VCF-style: chr19-11021615-G-A. GRCh37 (hg19) VCF-style: chr19-11132291-G-A.
Other names: c.2617-110G>A (NM_001128844.3, NM_001128849.3, NM_001128847.4 and 5 more transcripts).
Identifiers: ClinVar variation 133383 (VCV000133383.1), dbSNP rs564402674, ClinGen allele CA156474.